The following is an entry in ClinVar:

ClinVar aggregate classification (germline): Likely benign (0 of 4 stars; one submission).

Conditions:
SPTBN5-related disorder. Also called: SPTBN5-related condition.

Allele frequency attached by ClinVar (database versions not stated): gnomAD 0.00001; ExAC 0.00002; TOPMed 0.00005; ESP Exome Variant Server 0.00008.
gnomAD v4.1: 20 of 1,613,392 alleles (0.0012%); highest among the groups gnomAD compares: Non-Finnish European, 0.0017%; no homozygotes.

Submission:

PreventionGenetics, part of Exact Sciences
Classification: Likely benign for SPTBN5-related condition. Last evaluated: 2024-01-19. Review status: no assertion criteria provided. Collection method: clinical testing. Allele origin: germline.
Comment: This variant is classified as likely benign based on ACMG/AMP sequence variant interpretation guidelines (Richards et al. 2015 PMID: 25741868, with internal and published modifications).

NM_016642.4(SPTBN5):c.6312+6G>A

Gene: SPTBN5 (spectrin beta, non-erythrocytic 5; minus strand). Cytogenetic location: 15q15.1.
Variant type: single nucleotide variant.
Coding change: c.6312+6G>A on transcript NM_016642.4 (MANE Select); 6 bases into the intron after coding-DNA position 6312, G replaced by A.
Molecular consequence: intron variant.
Genome position (GRCh38, 1-based): chr15:41,867,532, C>T on the plus strand (G>A on the coding strand, the complement: SPTBN5 is on the minus strand). VCF-style: chr15-41867532-C-T. GRCh37 (hg19) VCF-style: chr15-42159730-C-T.
Identifiers: ClinVar variation 3032961 (VCV003032961.2), dbSNP rs369069528, ClinGen allele CA7502647.
Genomic context (GRCh38, chr15:41,867,532, plus strand): 5'-ACCCCCTTCAGGACTCTCTCCCAACCACCACACTCTGACCACGCCCAGGCCTCCTGACTC[C>T]ATTACCTTCTTGTCCTGGGCAGTCAGAACCTTCAGGAAGACCTCGTGCTTGCGAATCAAC-3'